The following is an entry in ClinVar:

ClinVar aggregate classification (germline): Uncertain significance (1 of 4 stars; one submission).

Conditions:
Cardiovascular phenotype. Identifiers: MedGen CN230736.
Hereditary cancer-predisposing syndrome. Also called: Neoplastic Syndromes, Hereditary; Tumor predisposition; Hereditary neoplastic syndrome; Hereditary Cancer Syndrome. Identifiers: Orphanet 140162, MedGen C0027672, MeSH D009386, MONDO:0015356.

Submission:

Ambry Genetics
Classification: Uncertain significance for Cardiovascular phenotype; Hereditary cancer-predisposing syndrome. Last evaluated: 2026-09-01. Review status: criteria provided, single submitter. Criteria: Ambry Variant Classification Scheme 2023. Collection method: clinical testing. Allele origin: germline.
Comment: The p.T1435S variant (also known as c.4303A>T), located in coding exon 32 of the NF1 gene, results from an A to T substitution at nucleotide position 4303. The threonine at codon 1435 is replaced by serine, an amino acid with similar properties. This amino acid position is conserved. In addition, the in silico prediction for this alteration is inconclusive. Based on the available evidence, the clinical significance of this variant remains unclear.

NM_001042492.3(NF1):c.4366A>T (p.Thr1456Ser)

Gene: NF1 (neurofibromin 1; plus strand). Cytogenetic location: 17q11.2.
Variant type: single nucleotide variant.
Coding change: c.4366A>T on transcript NM_001042492.3 (MANE Select); coding-DNA position 4366, A replaced by T.
Protein change: p.Thr1456Ser; replaces threonine 1456 with serine.
Molecular consequence: missense variant.
Genome position (GRCh38, 1-based): chr17:31,259,065, A>T. VCF-style: chr17-31259065-A-T. GRCh37 (hg19) VCF-style: chr17-29586083-A-T.
Other names: c.4303A>T, p.Thr1435Ser (NM_000267.4); short protein forms T1435S, T1456S.
Identifiers: ClinVar variation 5025647 (VCV005025647.1).